The following is an entry in ClinVar:

NM_000202.8(IDS):c.671G>A (p.Gly224Glu)

Genes: IDS (iduronate 2-sulfatase; minus strand), LOC106050102 (IDS recombination region; plus strand). Cytogenetic location: Xq28.
Variant type: single nucleotide variant.
Coding change: c.671G>A on transcript NM_000202.8 (MANE Select); coding-DNA position 671, G replaced by A.
Protein change: p.Gly224Glu; replaces glycine 224 with glutamic acid.
Molecular consequence: missense variant. On other transcripts: non-coding transcript variant (1).
Genome position (GRCh38, 1-based): chrX:149,498,144, C>T on the plus strand (G>A on the coding strand, the complement: IDS is on the minus strand). VCF-style: chrX-149498144-C-T. GRCh37 (hg19) VCF-style: chrX-148579675-C-T.
Other names: c.401G>A, p.Gly134Glu (NM_001166550.4); c.671G>A, p.Gly224Glu (NM_006123.5); short protein forms G134E, G224E.
Identifiers: ClinVar variation 3255793 (VCV003255793.3).

ClinVar aggregate classification (germline): Pathogenic. Review status: criteria provided, multiple submitters, no conflicts (2 of 4 stars). 2 submissions from 2 submitters: Pathogenic (2). Last evaluated 2025-11-18.

Conditions:
Mucopolysaccharidosis, MPS-II (MPS2). Also called: Hunter Syndrome; IDURONATE 2-SULFATASE DEFICIENCY; Mucopolysaccharidosis Type II; Mucopolysaccharidosis type 2; Attenuated MPS (subtype; formerly known as mild MPS II); Severe MPS II. Identifiers: Orphanet 580, Orphanet 79388, MedGen C0026705, MONDO:0010674, OMIM 309900.

Submissions (2):

Labcorp Genetics (formerly Invitae), Labcorp
Classification: Pathogenic for Mucopolysaccharidosis, MPS-II. Last evaluated: 2025-11-18. Review status: criteria provided, single submitter. Criteria: Invitae Variant Classification Sherloc (09022015). Collection method: clinical testing. Allele origin: germline.
Comment: This sequence change replaces glycine, which is neutral and non-polar, with glutamic acid, which is acidic and polar, at codon 224 of the IDS protein (p.Gly224Glu). This variant is not present in population databases (gnomAD no frequency). This missense change has been observed in individual(s) with clinical features of mucopolysaccharidosis type II (PMID: 33676511, 36945845; internal data). ClinVar contains an entry for this variant (Variation ID: 3255793). Invitae Evidence Modeling of protein sequence and biophysical properties (such as structural, functional, and spatial information, amino acid conservation, physicochemical variation, residue mobility, and thermodynamic stability) indicates that this missense variant is expected to disrupt IDS protein function with a positive predictive value of 80%. This variant disrupts the p.Gly224 amino acid residue in IDS. Other variant(s) that disrupt this residue have been determined to be pathogenic (PMID: 27246110; internal data). This suggests that this residue is clinically significant, and that variants that disrupt this residue are likely to be disease-causing. For these reasons, this variant has been classified as Pathogenic.

Laboratory of Diagnosis and Therapy of Lysosomal Disorders, University of Padova
Classification: Pathogenic for Mucopolysaccharidosis, MPS-II. Last evaluated: 2024-06-07. Review status: criteria provided, single submitter. Criteria: ACMG Guidelines, 2015. Collection method: literature only. Allele origin: germline. Affected: yes. Observed: 4 variant alleles.
Comment: Absent from controls (or at low frequency) in gnomAD database (PM2_Moderate), Missense change at the same amino acid residue as a pathogenic variant (PM5_Moderate), Missense variant in a gene with a low rate of benign missense variation (PP2_Supporting), Multiple lines of computational evidence support a deleterious effect (PP3_Supporting), Patient’s phenotype or family history highly specific for the disease (PP4_Strong)

Classification method: ACMG Guidelines [PMID:25741868] with modifications

Literature cited by the submitters: PubMed 33676511 (cited by Labcorp Genetics (formerly Invitae), Labcorp and Laboratory of Diagnosis and Therapy of Lysosomal Disorders, University of Padova); PubMed 36945845 (cited by Labcorp Genetics (formerly Invitae), Labcorp and Laboratory of Diagnosis and Therapy of Lysosomal Disorders, University of Padova); PubMed 27246110 (cited by Labcorp Genetics (formerly Invitae), Labcorp); PubMed 9921913 (cited by Laboratory of Diagnosis and Therapy of Lysosomal Disorders, University of Padova); PubMed 16133661 (cited by Laboratory of Diagnosis and Therapy of Lysosomal Disorders, University of Padova).